The following is an entry in ClinVar:

NM_000038.6(APC):c.3105G>C (p.Gln1035His)

Gene: APC (APC regulator of Wnt signaling pathway; plus strand). Cytogenetic location: 5q22.2.
Variant type: single nucleotide variant.
Coding change: c.3105G>C on transcript NM_000038.6 (MANE Select); coding-DNA position 3105, G replaced by C.
Protein change: p.Gln1035His; replaces glutamine 1035 with histidine.
Molecular consequence: missense variant. On other transcripts: non-coding transcript variant (2).
Genome position (GRCh38, 1-based): chr5:112,838,699, G>C. VCF-style: chr5-112838699-G-C. GRCh37 (hg19) VCF-style: chr5-112174396-G-C.
Other names: c.3105G>C, p.Gln1035His (NM_001127510.3, NM_001354895.2, NM_001407450.1); c.3051G>C, p.Gln1017His (NM_001127511.3); c.3159G>C, p.Gln1053His (NM_001354896.2, NM_001407447.1, NM_001407448.1 and 1 more transcripts); c.3135G>C, p.Gln1045His (NM_001354897.2); c.3030G>C, p.Gln1010His (NM_001354898.2); c.3021G>C, p.Gln1007His (NM_001354899.2); c.2982G>C, p.Gln994His (NM_001354900.2); c.2928G>C, p.Gln976His (NM_001354901.2, NM_001407453.1); and 11 more; short protein forms Q1007H, Q1010H, Q1017H, Q1025H, Q1028H, Q1035H, Q1045H, Q1053H.
Identifiers: ClinVar variation 4801461 (VCV004801461.1).

ClinVar aggregate classification (germline): Uncertain significance (1 of 4 stars; one submission).

Conditions:
Familial adenomatous polyposis 1 (FAP1). Also called: FAMILIAL ADENOMATOUS POLYPOSIS 1, ATTENUATED; POLYPOSIS, ADENOMATOUS INTESTINAL. Identifiers: MedGen C2713442, MONDO:0021056, OMIM 175100. Disease mechanism: loss of function.

Submission:

Labcorp Genetics (formerly Invitae), Labcorp
Classification: Uncertain significance for Familial adenomatous polyposis 1. Last evaluated: 2025-11-07. Review status: criteria provided, single submitter. Criteria: Invitae Variant Classification Sherloc (09022015). Collection method: clinical testing. Allele origin: germline.
Comment: This sequence change replaces glutamine, which is neutral and polar, with histidine, which is basic and polar, at codon 1035 of the APC protein (p.Gln1035His). This variant is not present in population databases (gnomAD no frequency). This variant has not been reported in the literature in individuals affected with APC-related conditions. Invitae Evidence Modeling of protein sequence and biophysical properties (such as structural, functional, and spatial information, amino acid conservation, physicochemical variation, residue mobility, and thermodynamic stability) indicates that this missense variant is not expected to disrupt APC protein function with a negative predictive value of 95%. In summary, the available evidence is currently insufficient to determine the role of this variant in disease. Therefore, it has been classified as a Variant of Uncertain Significance.